The following is an entry in ClinVar:

NM_015189.3(EXOC6B):c.1251C>A (p.Phe417Leu)

Gene: EXOC6B (exocyst complex component 6B; minus strand). Cytogenetic location: 2p13.2.
Variant type: single nucleotide variant.
Coding change: c.1251C>A on transcript NM_015189.3 (MANE Select); coding-DNA position 1251, C replaced by A.
Protein change: p.Phe417Leu; replaces phenylalanine 417 with leucine.
Molecular consequence: missense variant. On other transcripts: non-coding transcript variant (2).
Genome position (GRCh38, 1-based): chr2:72,498,540, G>T on the plus strand (C>A on the coding strand, the complement: EXOC6B is on the minus strand). VCF-style: chr2-72498540-G-T. GRCh37 (hg19) VCF-style: chr2-72725669-G-T.
Other names: c.1251C>A, p.Phe417Leu (NM_001321729.2, NM_001321730.2, NM_001321731.2 and 1 more transcripts); c.912C>A, p.Phe304Leu (NM_001321734.2); short protein forms F304L, F417L.
Identifiers: ClinVar variation 4807861 (VCV004807861.1).

ClinVar aggregate classification (germline): Uncertain significance (1 of 4 stars; one submission).

gnomAD v4.1: 3 of 1,606,708 alleles (0.00019%); highest among the groups gnomAD compares: Non-Finnish European, 0.00025%; no homozygotes.

Submission:

Labcorp Genetics (formerly Invitae), Labcorp
Classification: Uncertain significance. Last evaluated: 2025-03-13. Review status: criteria provided, single submitter. Criteria: Invitae Variant Classification Sherloc (09022015). Collection method: clinical testing. Allele origin: germline.
Comment: This sequence change replaces phenylalanine, which is neutral and non-polar, with leucine, which is neutral and non-polar, at codon 417 of the EXOC6B protein (p.Phe417Leu). This variant is not present in population databases (gnomAD no frequency). This variant has not been reported in the literature in individuals affected with EXOC6B-related conditions. Experimental studies and prediction algorithms are not available or were not evaluated, and the functional significance of this variant is currently unknown. In summary, the available evidence is currently insufficient to determine the role of this variant in disease. Therefore, it has been classified as a Variant of Uncertain Significance.